The following is an entry in ClinVar:

ClinVar aggregate classification (germline): Pathogenic (1 of 4 stars; one submission).

Conditions:
PHGDH deficiency. Identifiers: Orphanet 79351, MedGen C1866174, MONDO:0011152, OMIM 601815.

Submission:

Labcorp Genetics (formerly Invitae), Labcorp
Classification: Pathogenic for PHGDH deficiency. Last evaluated: 2021-01-11. Review status: criteria provided, single submitter. Criteria: Invitae Variant Classification Sherloc (09022015). Collection method: clinical testing. Allele origin: germline.
Comment: For these reasons, this variant has been classified as Pathogenic. This variant has not been reported in the literature in individuals with PHGDH-related conditions. This variant is not present in population databases (ExAC no frequency). This sequence change creates a premature translational stop signal (p.Lys91Alafs*5) in the PHGDH gene. It is expected to result in an absent or disrupted protein product. Loss-of-function variants in PHGDH are known to be pathogenic (PMID: 14645240, 24836451).

Literature cited by the submitters: PubMed 14645240; PubMed 24836451.

NM_006623.4(PHGDH):c.271_274del (p.Lys91fs)

Gene: PHGDH (phosphoglycerate dehydrogenase; plus strand). Cytogenetic location: 1p12.
Variant type: Microsatellite.
Coding change: c.271_274del on transcript NM_006623.4 (MANE Select); coding-DNA positions 271 to 274, 4 bases deleted (AAGG; older notation c.271_274delAAGG).
Protein change: p.Lys91fs; shifts the reading frame from lysine 91.
Molecular consequence: frameshift variant.
Genome position (GRCh38, 1-based): chr1:119,721,302-119,721,305, AAGG deleted; deleting any 4 consecutive bases within chr1:119,721,298-119,721,305 gives the same sequence; the c. name uses the placement nearest the transcript's 3' end. VCF-style (leftmost placement, unchanged base first): chr1-119721297-CAAGG-C. GRCh37 (hg19) VCF-style: chr1-120263920-CAAGG-C.
Other names: short protein forms K91fs.
Identifiers: ClinVar variation 1455226 (VCV001455226.6), dbSNP rs2101155246, ClinGen allele CA2580611480.
Genomic context (GRCh38, chr1:119,721,297, plus strand): 5'-AACTCCAGGTGGTGGGCAGGGCTGGCACAGGTGTGGACAATGTGGATCTGGAGGCCGCAA[CAAGG>C]AAGGGCATCTTGGTTATGAAGTAAGTCATGGAGGCTGCGGGCGGTTTGGGGGTAGGGGGG-3'